The following is an entry in ClinVar:

ClinVar aggregate classification (germline): Uncertain significance (1 of 4 stars; one submission).

Conditions:
Familial hypocalciuric hypercalcemia (FHH). Also called: Familial benign hypercalcemia. Identifiers: Orphanet 405, MedGen C1809471, MONDO:0018458.
Autosomal dominant hypocalcemia 1 (HYPOC1). Also called: HYPOCALCEMIA, FAMILIAL. Identifiers: MedGen C3715128, MONDO:0011013, OMIM 601198.

Submission:

Labcorp Genetics (formerly Invitae), Labcorp
Classification: Uncertain significance for Familial hypocalciuric hypercalcemia; Autosomal dominant hypocalcemia 1. Last evaluated: 2022-02-17. Review status: criteria provided, single submitter. Criteria: Invitae Variant Classification Sherloc (09022015). Collection method: clinical testing. Allele origin: germline.
Comment: This sequence change replaces phenylalanine, which is neutral and non-polar, with tyrosine, which is neutral and polar, at codon 533 of the CASR protein (p.Phe533Tyr). This variant is not present in population databases (gnomAD no frequency). This variant has not been reported in the literature in individuals affected with CASR-related conditions. Algorithms developed to predict the effect of missense changes on protein structure and function (SIFT, PolyPhen-2, Align-GVGD) all suggest that this variant is likely to be tolerated. In summary, the available evidence is currently insufficient to determine the role of this variant in disease. Therefore, it has been classified as a Variant of Uncertain Significance.

NM_000388.4(CASR):c.1598T>A (p.Phe533Tyr)

Gene: CASR (calcium sensing receptor; plus strand). Cytogenetic location: 3q21.1.
Variant type: single nucleotide variant.
Coding change: c.1598T>A on transcript NM_000388.4 (MANE Select); coding-DNA position 1598, T replaced by A.
Protein change: p.Phe533Tyr; replaces phenylalanine 533 with tyrosine.
Molecular consequence: missense variant.
Genome position (GRCh38, 1-based): chr3:122,276,032, T>A. VCF-style: chr3-122276032-T-A. GRCh37 (hg19) VCF-style: chr3-121994879-T-A.
Other names: c.1598T>A, p.Phe533Tyr (NM_001178065.2); short protein forms F533Y.
Identifiers: ClinVar variation 2097877 (VCV002097877.4), dbSNP rs2107643782, ClinGen allele CA354155571.
Genomic context (GRCh38, chr3:122,276,032, plus strand): 5'-TCTATGCCAAGAAGGGAGAAAGACTCTTCATCAACGAGGAGAAAATCCTGTGGAGTGGGT[T>A]CTCCAGGGAGGTAGGTGCTGTCCATCAGAAAACCAGATGTCTCCACCAGGGGCAGGAAAC-3'
Protein context (NP_000379.3, residues 523-543): INEEKILWSG[Phe533Tyr]SREVPFSNCS